The following is an entry in ClinVar:

ClinVar aggregate classification (germline): Uncertain significance (1 of 4 stars; one submission).

Submission:

Labcorp Genetics (formerly Invitae), Labcorp
Classification: Uncertain significance. Last evaluated: 2023-11-13. Review status: criteria provided, single submitter. Criteria: Invitae Variant Classification Sherloc (09022015). Collection method: clinical testing. Allele origin: germline.
Comment: This variant results in a copy number gain of the genomic region encompassing exon(s) 3-8 of the COL4A3 gene. While the exact position of this variant cannot be determined from the data, sub-genic copy number gains are generally in tandem (PMID: 25640679). This variant is predicted to be in-frame, and likely preserves the integrity of the reading frame. This variant has not been reported in the literature in individuals affected with COL4A3-related conditions. Experimental studies and prediction algorithms are not available or were not evaluated, and the functional significance of this variant is currently unknown. In summary, the available evidence is currently insufficient to determine the role of this variant in disease. Therefore, it has been classified as a Variant of Uncertain Significance.

Literature cited by the submitters: PubMed 25640679.

NC_000002.11:g.(?_228104839)_(228112320_?)dup

Gene: COL4A3 (collagen type IV alpha 3 chain; plus strand). Cytogenetic location: 2q36.3.
Variant type: Duplication.
Identifiers: ClinVar variation 1509855 (VCV001509855.5).